The following is an entry in ClinVar:

NM_181882.3(PRX):c.2190C>G (p.Pro730=)

Gene: PRX (periaxin; minus strand). Cytogenetic location: 19q13.2.
Variant type: single nucleotide variant.
Coding change: c.2190C>G on transcript NM_181882.3 (MANE Select); coding-DNA position 2190, C replaced by G.
Protein change: p.Pro730=; no amino-acid change (proline 730 retained).
Molecular consequence: synonymous variant. On other transcripts: 3 prime UTR variant (1).
Genome position (GRCh38, 1-based): chr19:40,396,162, G>C on the plus strand (C>G on the coding strand, the complement: PRX is on the minus strand). VCF-style: chr19-40396162-G-C. GRCh37 (hg19) VCF-style: chr19-40902069-G-C.
Other names: c.2190C>G (NM_181882.2); c.*2395C>G (NM_020956.2).
Identifiers: ClinVar variation 1584984 (VCV001584984.10), dbSNP rs1336238948, ClinGen allele CA507679365.
Genomic context (GRCh38, chr19:40,396,162, plus strand): 5'-CACTTTCGGCAGCTGCACCTCGGGGAGGTGCACATCGGGCACAGCCATCTCAGGCACCTT[G>C]GGGAGTTTTATCTCTGGGAGCTTCATGTCAGGGACTTTCATTTCACAGACTTTGGGCAGC-3'
Protein context (NP_870998.2, residues 720-740): PDMKLPEIKL[Pro730=]KVPEMAVPDV

ClinVar aggregate classification (germline): Likely benign. Review status: criteria provided, single submitter (1 of 4 stars). 2 submissions from 2 submitters: Likely benign (1). 1 of the submissions does not count toward it. Last evaluated 2025-11-11.

Conditions:
PRX-related disorder. Also called: PRX-related condition; PRX-Related Disorders.
Charcot-Marie-Tooth disease type 4. Also called: Charcot-Marie-Tooth, Type 4; Charcot-Marie-Tooth disease, type IV. Identifiers: Orphanet 64749, MedGen C4082197, MONDO:0018995.

Allele frequency attached by ClinVar (database versions not stated): gnomAD 0.00021; 1000 Genomes Project 30x 0.00172.

Submissions (2):

Labcorp Genetics (formerly Invitae), Labcorp
Classification: Likely benign for Charcot-Marie-Tooth disease type 4. Last evaluated: 2025-11-11. Review status: criteria provided, single submitter. Criteria: Invitae Variant Classification Sherloc (09022015). Collection method: clinical testing. Allele origin: germline.

PreventionGenetics, part of Exact Sciences
Classification: Likely benign for PRX-related condition. Last evaluated: 2021-12-30. Review status: no assertion criteria provided. Collection method: clinical testing. Allele origin: germline. Not counted in ClinVar's aggregate classification.
Comment: This variant is classified as likely benign based on ACMG/AMP sequence variant interpretation guidelines (Richards et al. 2015 PMID: 25741868, with internal and published modifications).